The following is an entry in ClinVar:

NM_004655.4(AXIN2):c.1712G>A (p.Gly571Asp)

Gene: AXIN2 (axin 2; minus strand). Cytogenetic location: 17q24.1.
Variant type: single nucleotide variant.
Coding change: c.1712G>A on transcript NM_004655.4 (MANE Select); coding-DNA position 1712, G replaced by A.
Protein change: p.Gly571Asp; replaces glycine 571 with aspartic acid.
Molecular consequence: missense variant.
Genome position (GRCh38, 1-based): chr17:65,537,324, C>T on the plus strand (G>A on the coding strand, the complement: AXIN2 is on the minus strand). VCF-style: chr17-65537324-C-T. GRCh37 (hg19) VCF-style: chr17-63533442-C-T.
Other names: c.1712G>A (LRG_296t1); c.1712G>A, p.Gly571Asp (NM_001363813.1); short protein forms G571D.
Identifiers: ClinVar variation 408767 (VCV000408767.21), dbSNP rs146744662, ClinGen allele CA8718573.

ClinVar aggregate classification (germline): Conflicting classifications of pathogenicity. Review status: criteria provided, conflicting classifications (1 of 4 stars). 5 submissions from 5 submitters: Uncertain significance (3); Benign (1); Likely benign (1). Last evaluated 2026-10-01.

Conditions:
Oligodontia-cancer predisposition syndrome. Also called: TOOTH AGENESIS-COLORECTAL CANCER SYNDROME. Identifiers: Orphanet 300576, MedGen C1837750, MONDO:0012075, OMIM 608615. Disease mechanism: loss of function.
Hereditary cancer-predisposing syndrome. Also called: Hereditary neoplastic syndrome; Neoplastic Syndromes, Hereditary; Hereditary Cancer Syndrome; Tumor predisposition. Identifiers: Orphanet 140162, MedGen C0027672, MeSH D009386, MONDO:0015356.

Allele frequency attached by ClinVar (database versions not stated): gnomAD exomes 0.00001 and 0.00003; ExAC 0.00002; gnomAD 0.00011 and 0.00013; TOPMed 0.00011; ESP Exome Variant Server 0.00023.
gnomAD v4.1: 35 of 1,613,938 alleles (0.0022%); highest among the groups gnomAD compares: African/African-American, 0.045%; no homozygotes.

Submissions (5):

St. Jude Molecular Pathology, St. Jude Children's Research Hospital
Classification: Uncertain significance for Oligodontia-cancer predisposition syndrome. Last evaluated: 2026-10-01. Review status: criteria provided, single submitter. Criteria: St. Jude Assertion Criteria 2020. Collection method: clinical testing. Allele origin: germline.
Comment: The AXIN2 c.1712G>A p.(Gly571Asp) missense change has a maximum subpopulation frequency of 0.04% in gnomAD v2.1.1. The in silico tool REVEL predicts a benign effect on protein function, but to our knowledge this prediction has not been confirmed by functional studies. To our knowledge, this variant has not been reported in the literature in individuals with oligodontia-cancer predisposition syndrome. In summary, the evidence currently avail able is insufficient to determine the clinical significance of this variant. It has therefore been classified as of uncertain significance (VUS-Low).

Labcorp Genetics (formerly Invitae), Labcorp
Classification: Likely benign for Oligodontia-cancer predisposition syndrome. Last evaluated: 2026-01-13. Review status: criteria provided, single submitter. Criteria: Invitae Variant Classification Sherloc (09022015). Collection method: clinical testing. Allele origin: germline.

Center for Genomic Medicine, Rigshospitalet, Copenhagen University Hospital
Classification: Uncertain significance. Last evaluated: 2025-03-04. Review status: criteria provided, single submitter. Criteria: ACMG Guidelines, 2015. Collection method: clinical testing. Allele origin: germline.

Ambry Genetics
Classification: Benign for Hereditary cancer-predisposing syndrome. Last evaluated: 2023-11-30. Review status: criteria provided, single submitter. Criteria: Ambry Variant Classification Scheme 2023. Collection method: clinical testing. Allele origin: germline.

GeneDx
Classification: Uncertain significance. Last evaluated: 2023-01-11. Review status: criteria provided, single submitter. Criteria: GeneDx Variant Classification Process June 2021. Collection method: clinical testing. Allele origin: germline. Affected: yes.
Comment: In silico analysis supports that this missense variant does not alter protein structure/function; Has not been previously published as pathogenic or benign to our knowledge